The following is an entry in ClinVar:

ClinVar aggregate classification (germline): Conflicting classifications of pathogenicity. Review status: criteria provided, conflicting classifications (1 of 4 stars). 2 submissions from 2 submitters: Uncertain significance (1); Likely benign (1). Last evaluated 2025-08-01.

Conditions:
Inborn genetic diseases. Identifiers: MedGen C0950123, MeSH D030342.

gnomAD v4.1: 22 of 1,595,452 alleles (0.0014%); highest among the groups gnomAD compares: Middle Eastern, 0.016%; no homozygotes.

Submissions (2):

Ambry Genetics
Classification: Uncertain significance for Inborn genetic diseases. Last evaluated: 2025-08-01. Review status: criteria provided, single submitter. Criteria: Ambry Variant Classification Scheme 2023. Collection method: clinical testing. Allele origin: germline.

CeGaT Center for Human Genetics Tuebingen
Classification: Likely benign. Last evaluated: 2024-07-01. Review status: criteria provided, single submitter. Criteria: CeGaT Center For Human Genetics Tuebingen Variant Classification Criteria Version 2. Collection method: clinical testing. Allele origin: germline. Affected: yes. Observed: 1 variant allele.
Comment: MYH14: PM5, BP4, BS2

NM_001145809.2(MYH14):c.1918C>G (p.Arg640Gly)

Gene: MYH14 (myosin heavy chain 14; plus strand). Cytogenetic location: 19q13.33.
Variant type: single nucleotide variant.
Coding change: c.1918C>G on transcript NM_001145809.2 (MANE Select); coding-DNA position 1918, C replaced by G.
Protein change: p.Arg640Gly; replaces arginine 640 with glycine.
Molecular consequence: missense variant.
Genome position (GRCh38, 1-based): chr19:50,252,726, C>G. VCF-style: chr19-50252726-C-G. GRCh37 (hg19) VCF-style: chr19-50755983-C-G.
Other names: c.1918C>G, p.Arg640Gly (NM_001077186.2); c.1894C>G, p.Arg632Gly (NM_024729.4); c.1894C>G (NM_024729.3); short protein forms R632G, R640G.
Identifiers: ClinVar variation 3257064 (VCV003257064.18).